The following is an entry in ClinVar:

NM_199420.4(POLQ):c.3694A>C (p.Asn1232His)

Gene: POLQ (DNA polymerase theta; minus strand). Cytogenetic location: 3q13.33.
Variant type: single nucleotide variant.
Coding change: c.3694A>C on transcript NM_199420.4 (MANE Select); coding-DNA position 3694, A replaced by C.
Protein change: p.Asn1232His; replaces asparagine 1232 with histidine.
Molecular consequence: missense variant.
Genome position (GRCh38, 1-based): chr3:121,489,237, T>G on the plus strand (A>C on the coding strand, the complement: POLQ is on the minus strand). VCF-style: chr3-121489237-T-G. GRCh37 (hg19) VCF-style: chr3-121208084-T-G.
Other names: short protein forms N1232H.
Identifiers: ClinVar variation 2563882 (VCV002563882.2), dbSNP rs765706633, ClinGen allele CA354097976.

ClinVar aggregate classification (germline): Uncertain significance (1 of 4 stars; one submission).

Submission:

Ambry Genetics
Classification: Uncertain significance. Last evaluated: 2023-05-30. Review status: criteria provided, single submitter. Criteria: Ambry Variant Classification Scheme 2023. Collection method: clinical testing. Allele origin: germline.
Comment: The p.N1232H variant (also known as c.3694A>C), located in coding exon 16 of the POLQ gene, results from an A to C substitution at nucleotide position 3694. The asparagine at codon 1232 is replaced by histidine, an amino acid with similar properties. This amino acid position is conserved. In addition, this alteration is predicted to be tolerated by in silico analysis. Since supporting evidence is limited at this time, the clinical significance of this alteration remains unclear.